The following is an entry in ClinVar:

NM_019032.6(ADAMTSL4):c.2354A>G (p.His785Arg)

Gene: ADAMTSL4 (ADAMTS like 4; plus strand). Cytogenetic location: 1q21.2.
Variant type: single nucleotide variant.
Coding change: c.2354A>G on transcript NM_019032.6 (MANE Select); coding-DNA position 2354, A replaced by G.
Protein change: p.His785Arg; replaces histidine 785 with arginine.
Molecular consequence: missense variant.
Genome position (GRCh38, 1-based): chr1:150,558,121, A>G. VCF-style: chr1-150558121-A-G. GRCh37 (hg19) VCF-style: chr1-150530597-A-G.
Other names: c.2237A>G, p.His746Arg (NM_001288607.2); c.2423A>G, p.His808Arg (NM_001288608.2); c.2354A>G, p.His785Arg (NM_001378596.1, NM_025008.5); c.2354A>G (NM_019032.4); short protein forms H808R, H746R, H785R.
Identifiers: ClinVar variation 1396637 (VCV001396637.7), dbSNP rs145309619, ClinGen allele CA1078629.

ClinVar aggregate classification (germline): Uncertain significance. Review status: criteria provided, multiple submitters, no conflicts (2 of 4 stars). 6 submissions from 5 submitters: Uncertain significance (6). Last evaluated 2024-12-05.

Conditions:
ADAMTSL4-related disorder. Also called: ADAMTSL4-related condition; ADAMTSL4-Related Disorders.
Ectopia lentis 2, isolated, autosomal recessive (ECTOL2). Identifiers: Orphanet 1885, MedGen C3541474, MONDO:0009152, OMIM 225100.
Inborn genetic diseases. Identifiers: MedGen C0950123, MeSH D030342.
Ectopia lentis et pupillae. Also called: ECTOPIA LENTIS WITH ECTOPIA OF PUPIL. Identifiers: Orphanet 1885, MedGen C1644196, MONDO:0009153, OMIM 225200.

Allele frequency attached by ClinVar (database versions not stated): gnomAD exomes 0.00002 and 0.00006; ExAC 0.00005; 1000 Genomes Project 30x 0.00016; 1000 Genomes Project 0.00020; ESP Exome Variant Server 0.00023; gnomAD 0.00027 and 0.00029; TOPMed 0.00032.

Submissions (6):

PreventionGenetics, part of Exact Sciences
Classification: Uncertain significance for ADAMTSL4-related condition. Last evaluated: 2024-12-05. Review status: criteria provided, single submitter. Criteria: ACMG Guidelines, 2015. Collection method: clinical testing. Allele origin: germline.
Comment: The ADAMTSL4 c.2354A>G variant is predicted to result in the amino acid substitution p.His785Arg. To our knowledge, this variant has not been reported in the literature. This variant is reported in 0.098% of alleles in individuals of African descent in gnomAD, which is likely too common for an undocumented disease-causing variant. Although we suspect that this variant may be benign, at this time, the clinical significance of this variant is uncertain due to the absence of conclusive functional and genetic evidence.

Ambry Genetics
Classification: Uncertain significance for Inborn genetic diseases. Last evaluated: 2024-11-12. Review status: criteria provided, single submitter. Criteria: Ambry Variant Classification Scheme 2023. Collection method: clinical testing. Allele origin: germline.

Genome-Nilou Lab
Classification: Uncertain significance for Ectopia lentis et pupillae. Last evaluated: 2023-04-11. Review status: criteria provided, single submitter. Criteria: ACMG Guidelines, 2015. Collection method: clinical testing. Allele origin: germline. Affected: no.

Genome-Nilou Lab
Classification: Uncertain significance for Ectopia lentis 2, isolated, autosomal recessive. Last evaluated: 2023-04-11. Review status: criteria provided, single submitter. Criteria: ACMG Guidelines, 2015. Collection method: clinical testing. Allele origin: germline. Affected: no.

Labcorp Genetics (formerly Invitae), Labcorp
Classification: Uncertain significance. Last evaluated: 2022-08-31. Review status: criteria provided, single submitter. Criteria: Invitae Variant Classification Sherloc (09022015). Collection method: clinical testing. Allele origin: germline.
Comment: This sequence change replaces histidine, which is basic and polar, with arginine, which is basic and polar, at codon 785 of the ADAMTSL4 protein (p.His785Arg). This variant is present in population databases (rs145309619, gnomAD 0.09%). This variant has not been reported in the literature in individuals affected with ADAMTSL4-related conditions. ClinVar contains an entry for this variant (Variation ID: 1396637). Algorithms developed to predict the effect of missense changes on protein structure and function output the following: SIFT: "Deleterious"; PolyPhen-2: "Benign"; Align-GVGD: "Class C25". The arginine amino acid residue is found in multiple mammalian species, which suggests that this missense change does not adversely affect protein function. In summary, the available evidence is currently insufficient to determine the role of this variant in disease. Therefore, it has been classified as a Variant of Uncertain Significance.

GeneDx
Classification: Uncertain significance. Last evaluated: 2022-03-21. Review status: criteria provided, single submitter. Criteria: GeneDx Variant Classification Process June 2021. Collection method: clinical testing. Allele origin: germline. Affected: yes.
Comment: In silico analysis supports that this missense variant does not alter protein structure/function; Has not been previously published as pathogenic or benign to our knowledge